The following is an entry in ClinVar:

NM_001267550.2(TTN):c.51338C>T (p.Pro17113Leu)

Genes: TTN (titin; minus strand), TTN-AS1 (TTN antisense RNA 1; plus strand). Cytogenetic location: 2q31.2.
Variant type: single nucleotide variant.
Coding change: c.51338C>T on transcript NM_001267550.2 (MANE Select); coding-DNA position 51338, C replaced by T.
Protein change: p.Pro17113Leu; replaces proline 17113 with leucine.
Molecular consequence: missense variant.
Genome position (GRCh38, 1-based): chr2:178,610,188, G>A on the plus strand (C>T on the coding strand, the complement: TTN is on the minus strand). VCF-style: chr2-178610188-G-A. GRCh37 (hg19) VCF-style: chr2-179474915-G-A.
Other names: c.46415C>T, p.Pro15472Leu (NM_001256850.1); c.24143C>T, p.Pro8048Leu (NM_003319.4); c.24518C>T, p.Pro8173Leu (NM_133432.3); c.24719C>T, p.Pro8240Leu (NM_133437.4); c.43634C>T, p.Pro14545Leu (NM_133378.4); short protein forms P14545L, P17113L, P8048L, P15472L, P8173L, P8240L.
Identifiers: ClinVar variation 229451 (VCV000229451.5), dbSNP rs763635220, ClinGen allele CA10576519.

ClinVar aggregate classification (germline): Uncertain significance (1 of 4 stars; one submission).

Submission:

Laboratory for Molecular Medicine, Mass General Brigham Personalized Medicine
Classification: Uncertain significance. Last evaluated: 2015-11-03. Review status: criteria provided, single submitter. Criteria: LMM Criteria. Collection method: clinical testing. Allele origin: germline. Observed: 2 variant alleles.
Comment: The p.Pro14545Leu variant in TTN has not been previously reported in the literat ure or in large population studies. Computational prediction tools and conservat ion analysis suggest that the p.Pro14545Leu variant may impact the protein, thou gh this information is not predictive enough to determine pathogenicity. In summ ary, the clinical significance of the p.Pro14545Leu variant is uncertain.